The following is an entry in ClinVar:

NM_001197104.2(KMT2A):c.6512C>T (p.Pro2171Leu)

Gene: KMT2A (lysine methyltransferase 2A; plus strand). Cytogenetic location: 11q23.3.
Variant type: single nucleotide variant.
Coding change: c.6512C>T on transcript NM_001197104.2 (MANE Select); coding-DNA position 6512, C replaced by T.
Protein change: p.Pro2171Leu; replaces proline 2171 with leucine.
Molecular consequence: missense variant.
Genome position (GRCh38, 1-based): chr11:118,502,404, C>T. VCF-style: chr11-118502404-C-T. GRCh37 (hg19) VCF-style: chr11-118373119-C-T.
Other names: c.6503C>T, p.Pro2168Leu (NM_005933.4); short protein forms P2168L, P2171L.
Identifiers: ClinVar variation 1313083 (VCV001313083.2), dbSNP rs2134384125, ClinGen allele CA382802069.

ClinVar aggregate classification (germline): Uncertain significance (1 of 4 stars; one submission).

Submission:

GeneDx
Classification: Uncertain significance. Last evaluated: 2020-07-17. Review status: criteria provided, single submitter. Criteria: GeneDx Variant Classification Process June 2021. Collection method: clinical testing. Allele origin: germline. Affected: yes.
Comment: Not observed in large population cohorts (Lek et al., 2016); In silico analysis supports that this missense variant has a deleterious effect on protein structure/function; Has not been previously published as pathogenic or benign to our knowledge